The following is an entry in ClinVar:

NM_022041.4(GAN):c.65_66delinsTA (p.Ser22Leu)

Genes: GAN (gigaxonin; plus strand), LOC130059498 (ATAC-STARR-seq lymphoblastoid silent region 7753; plus strand). Cytogenetic location: 16q23.2.
Variant type: Indel.
Coding change: c.65_66delinsTA on transcript NM_022041.4 (MANE Select); coding-DNA positions 65 to 66, CT replaced by TA.
Protein change: p.Ser22Leu; replaces serine 22 with leucine.
Molecular consequence: missense variant. On other transcripts: 5 prime UTR variant (1).
Genome position (GRCh38, 1-based): chr16:81,315,178-81,315,179, CT replaced by TA. VCF-style: chr16-81315178-CT-TA. GRCh37 (hg19) VCF-style: chr16-81348783-CT-TA.
Other names: c.-460_-459delinsTA (NM_001377486.1); short protein forms S22L.
Identifiers: ClinVar variation 1498640 (VCV001498640.3), dbSNP rs2150663602, ClinGen allele CA2573152728.

ClinVar aggregate classification (germline): Uncertain significance (1 of 4 stars; one submission).

Conditions:
Giant axonal neuropathy 1 (GAN1). Also called: GIANT AXONAL NEUROPATHY 1, AUTOSOMAL RECESSIVE; GAN-Related Neurodegeneration. Identifiers: Orphanet 643, MedGen C1850386, MONDO:0009749, OMIM 256850.

Submission:

Labcorp Genetics (formerly Invitae), Labcorp
Classification: Uncertain significance for Giant axonal neuropathy 1. Last evaluated: 2021-08-15. Review status: criteria provided, single submitter. Criteria: Invitae Variant Classification Sherloc (09022015). Collection method: clinical testing. Allele origin: germline.
Comment: This sequence change replaces serine with leucine at codon 22 of the GAN protein (p.Ser22Leu). The serine residue is highly conserved and there is a large physicochemical difference between serine and leucine. The frequency data for this variant in the population databases is not available, as this variant may be reported as separate entries in the ExAC database. This variant has not been reported in the literature in individuals affected with GAN-related conditions. Algorithms developed to predict the effect of missense changes on protein structure and function are either unavailable or do not agree on the potential impact of this missense change (SIFT: "Not Available"; PolyPhen-2: "Benign"; Align-GVGD: "Not Available"). In summary, the available evidence is currently insufficient to determine the role of this variant in disease. Therefore, it has been classified as a Variant of Uncertain Significance.